The following is an entry in ClinVar:

NM_152783.5(D2HGDH):c.566C>T (p.Pro189Leu)

Gene: D2HGDH (D-2-hydroxyglutarate dehydrogenase; plus strand). Cytogenetic location: 2q37.3.
Variant type: single nucleotide variant.
Coding change: c.566C>T on transcript NM_152783.5 (MANE Select); coding-DNA position 566, C replaced by T.
Protein change: p.Pro189Leu; replaces proline 189 with leucine.
Molecular consequence: missense variant. On other transcripts: non-coding transcript variant (1).
Genome position (GRCh38, 1-based): chr2:241,743,697, C>T. VCF-style: chr2-241743697-C-T. GRCh37 (hg19) VCF-style: chr2-242683112-C-T.
Other names: c.164C>T, p.Pro55Leu (NM_001287249.2); c.5C>T, p.Pro2Leu (NM_001352824.2); short protein forms P189L, P2L, P55L.
Identifiers: ClinVar variation 158422 (VCV000158422.16), dbSNP rs587783517, ClinGen allele CA171842.
Genomic context (GRCh38, chr2:241,743,697, plus strand): 5'-AGGCGGGCTGCGTCCTGGAGGAGCTGAGCCGGTATGTGGAGGAACGGGACTTCATCATGC[C>T]GCTGGACTTAGGAGCCAAGGGCAGCTGCCACATCGGGGGAAACGTGGCAACCAACGCTGG-3'
Protein context (NP_689996.4, residues 179-199): RYVEERDFIM[Pro189Leu]LDLGAKGSCH

ClinVar aggregate classification (germline): Conflicting classifications of pathogenicity. Review status: criteria provided, conflicting classifications (1 of 4 stars). 2 submissions from 2 submitters: Pathogenic (1); Uncertain significance (1). Last evaluated 2022-07-05.

Conditions:
D-2-hydroxyglutaric aciduria 1 (D2HGA1). Identifiers: Orphanet 79315, MedGen C3152055, MONDO:0024554, OMIM 600721.

Allele frequency attached by ClinVar (database versions not stated): gnomAD 0.00001; gnomAD exomes 0.00002; TOPMed 0.00002.

Submissions (2):

Labcorp Genetics (formerly Invitae), Labcorp
Classification: Uncertain significance for D-2-hydroxyglutaric aciduria 1. Last evaluated: 2022-07-05. Review status: criteria provided, single submitter. Criteria: Invitae Variant Classification Sherloc (09022015). Collection method: clinical testing. Allele origin: germline.
Comment: ClinVar contains an entry for this variant (Variation ID: 158422). This missense change has been observed in individual(s) with D-2-hydroxyglutaric aciduria (PMID: 20020533). This variant is present in population databases (rs587783517, gnomAD 0.006%). This sequence change replaces proline, which is neutral and non-polar, with leucine, which is neutral and non-polar, at codon 189 of the D2HGDH protein (p.Pro189Leu). In summary, the available evidence is currently insufficient to determine the role of this variant in disease. Therefore, it has been classified as a Variant of Uncertain Significance. Experimental studies have shown that this missense change affects D2HGDH function (PMID: 30908763, 33431826). Algorithms developed to predict the effect of missense changes on protein structure and function (SIFT, PolyPhen-2, Align-GVGD) all suggest that this variant is likely to be disruptive.

Genetic Services Laboratory, University of Chicago
Classification: Pathogenic for D-2-hydroxyglutaric aciduria 1. Last evaluated: 2014-05-19. Review status: criteria provided, single submitter. Criteria: ACMG Guidelines, 2015. Collection method: clinical testing. Allele origin: germline. Inheritance: Autosomal recessive inheritance. Affected: yes.

Literature cited by the submitters: PubMed 20020533 (cited by Labcorp Genetics (formerly Invitae), Labcorp); PubMed 30908763 (cited by Labcorp Genetics (formerly Invitae), Labcorp); PubMed 33431826 (cited by Labcorp Genetics (formerly Invitae), Labcorp).